The following is an entry in ClinVar:

NM_014915.3(ANKRD26):c.3704A>T (p.Gln1235Leu)

Gene: ANKRD26 (ankyrin repeat domain 26; minus strand). Cytogenetic location: 10p12.1.
Variant type: single nucleotide variant.
Coding change: c.3704A>T on transcript NM_014915.3 (MANE Select); coding-DNA position 3704, A replaced by T.
Protein change: p.Gln1235Leu; replaces glutamine 1235 with leucine.
Molecular consequence: missense variant.
Genome position (GRCh38, 1-based): chr10:27,033,328, T>A on the plus strand (A>T on the coding strand, the complement: ANKRD26 is on the minus strand). VCF-style: chr10-27033328-T-A. GRCh37 (hg19) VCF-style: chr10-27322257-T-A.
Other names: c.3701A>T, p.Gln1234Leu (NM_001256053.2); short protein forms Q1235L, Q1234L.
Identifiers: ClinVar variation 299733 (VCV000299733.14), dbSNP rs765506121, ClinGen allele CA5447979.

ClinVar aggregate classification (germline): Conflicting classifications of pathogenicity. Review status: criteria provided, conflicting classifications (1 of 4 stars). 5 submissions from 5 submitters: Uncertain significance (4); Likely benign (1). Last evaluated 2026-01-19.

Conditions:
Inborn genetic diseases. Identifiers: MedGen C0950123, MeSH D030342.
Thrombocytopenia 2 (THC2). Also called: ANKRD26-Related Thrombocytopenia. Identifiers: Orphanet 268322, MedGen C1861185, MONDO:0008555, OMIM 188000.

Allele frequency attached by ClinVar (database versions not stated): gnomAD exomes 0.00001; ExAC 0.00002; gnomAD 0.00002; TOPMed 0.00002.
gnomAD v4.1: 38 of 1,612,120 alleles (0.0024%); highest among the groups gnomAD compares: Non-Finnish European, 0.0031%; no homozygotes.

Submissions (5):

Labcorp Genetics (formerly Invitae), Labcorp
Classification: Uncertain significance. Last evaluated: 2026-01-19. Review status: criteria provided, single submitter. Criteria: Invitae Variant Classification Sherloc (09022015). Collection method: clinical testing. Allele origin: germline.
Comment: This sequence change replaces glutamine, which is neutral and polar, with leucine, which is neutral and non-polar, at codon 1235 of the ANKRD26 protein (p.Gln1235Leu). This variant is present in population databases (rs765506121, gnomAD 0.003%). This variant has not been reported in the literature in individuals affected with ANKRD26-related conditions. ClinVar contains an entry for this variant (Variation ID: 299733). An algorithm developed to predict the effect of missense changes on protein structure and function (PolyPhen-2) suggests that this variant is likely to be disruptive. In summary, the available evidence is currently insufficient to determine the role of this variant in disease. Therefore, it has been classified as a Variant of Uncertain Significance.

Laboratory of Genetics, Children's Clinical University Hospital Latvia
Classification: Uncertain significance. Last evaluated: 2025-02-16. Review status: criteria provided, single submitter. Criteria: ACMG Guidelines, 2015. Collection method: clinical testing. Allele origin: germline. Affected: yes.

Ambry Genetics
Classification: Uncertain significance for Inborn genetic diseases. Last evaluated: 2024-11-28. Review status: criteria provided, single submitter. Criteria: Ambry Variant Classification Scheme 2023. Collection method: clinical testing. Allele origin: germline.
Comment: The p.Q1235L variant (also known as c.3704A>T), located in coding exon 25 of the ANKRD26 gene, results from an A to T substitution at nucleotide position 3704. The glutamine at codon 1235 is replaced by leucine, an amino acid with dissimilar properties. This amino acid position is conserved. In addition, this alteration is predicted to be tolerated by in silico analysis. Based on the available evidence, the clinical significance of this variant remains unclear.

Genetic Services Laboratory, University of Chicago
Classification: Uncertain significance. Last evaluated: 2021-05-25. Review status: criteria provided, single submitter. Criteria: ACMG Guidelines, 2015. Collection method: clinical testing. Allele origin: germline. Affected: no.
Comment: DNA sequence analysis of the ANKRD26 gene demonstrated a sequence change, c.3704A>T, in exon 25 that results in an amino acid change, p.Gln1235Leu. This sequence change has been described in gnomAD with a frequency of 0.0027% in the Non-Finnish European sub-population (dbSNP rs765506121). The p.Gln1235Leu change affects a highly conserved amino acid residue located in a domain of the ANKRD26 protein that is known to be functional. In-silico pathogenicity prediction tools (SIFT, PolyPhen2, Align GVGD, REVEL) provide contradictory results for the p.Gln1235Leu substitution. This sequence change does not appear to have been previously described in patients with ANKRD26-related disorder. Due to the lack of sufficient evidences, the clinical significance of the p.Gln1235Leu change remains unknown at this time.

Illumina Laboratory Services, Illumina
Classification: Likely benign for Thrombocytopenia 2. Last evaluated: 2018-01-13. Review status: criteria provided, single submitter. Criteria: ICSL Variant Classification Criteria 13 December 2019. Collection method: clinical testing. Allele origin: germline.
Comment: This variant was observed in the ICSL laboratory as part of a predisposition screen in an ostensibly healthy population. It had not been previously curated by ICSL or reported in the Human Gene Mutation Database (HGMD: prior to June 1st, 2018), and was therefore a candidate for classification through an automated scoring system. Utilizing variant allele frequency, disease prevalence and penetrance estimates, and inheritance mode, an automated score was calculated to assess if this variant is too frequent to cause the disease. Based on the score and internal cut-off values, a variant classified as likely benign is not then subjected to further curation. The score for this variant resulted in a classification of likely benign for this disease.